The following is an entry in ClinVar:

NM_002860.4(ALDH18A1):c.583C>A (p.His195Asn)

Gene: ALDH18A1 (aldehyde dehydrogenase 18 family member A1; minus strand). Cytogenetic location: 10q24.1.
Variant type: single nucleotide variant.
Coding change: c.583C>A on transcript NM_002860.4 (MANE Select); coding-DNA position 583, C replaced by A.
Protein change: p.His195Asn; replaces histidine 195 with asparagine.
Molecular consequence: missense variant. On other transcripts: 5 prime UTR variant (1).
Genome position (GRCh38, 1-based): chr10:95,633,625, G>T on the plus strand (C>A on the coding strand, the complement: ALDH18A1 is on the minus strand). VCF-style: chr10-95633625-G-T. GRCh37 (hg19) VCF-style: chr10-97393382-G-T.
Other names: c.583C>A, p.His195Asn (NM_001017423.2, NM_001323413.2, NM_001323414.2 and 1 more transcripts); c.250C>A, p.His84Asn (NM_001323412.2, NM_001323416.2, NM_001323418.2); c.478C>A, p.His160Asn (NM_001323417.2); c.-54C>A (NM_001323419.2); short protein forms H160N, H195N, H84N.
Identifiers: ClinVar variation 2444777 (VCV002444777.1), dbSNP rs2526874046, ClinGen allele CA377705427.
Genomic context (GRCh38, chr10:95,633,625, plus strand): 5'-TGTTCATTCTAAGGAGTTCATGAAGTGTTCCATTGAGGTTCCGGCGCTTCTGCTCATCAT[G>T]GAAATCCAAATTGGTCACCAAAATCTAAAAGGATTAAATAGATGGAAAATGCATGAGGGA-3'
Protein context (NP_002851.2, residues 185-205): AQILVTNLDF[His195Asn]DEQKRRNLNG

ClinVar aggregate classification (germline): Uncertain significance (1 of 4 stars; one submission).

Submission:

GeneDx
Classification: Uncertain significance. Last evaluated: 2022-09-14. Review status: criteria provided, single submitter. Criteria: GeneDx Variant Classification Process June 2021. Collection method: clinical testing. Allele origin: germline. Affected: yes.
Comment: Not observed at significant frequency in large population cohorts (gnomAD); In silico analysis supports that this missense variant does not alter protein structure/function; Has not been previously published as pathogenic or benign to our knowledge